The following is an entry in ClinVar:

ClinVar aggregate classification (germline): Uncertain significance (1 of 4 stars; one submission).

Conditions:
Bethlem myopathy 1A. Also called: MYOPATHY, BENIGN CONGENITAL, WITH CONTRACTURES; Bethlem myopathy 1; Bethlem Muscular Dystrophy. Identifiers: Orphanet 610, MedGen CN029274, MONDO:0024530, OMIM 158810.

Submission:

Labcorp Genetics (formerly Invitae), Labcorp
Classification: Uncertain significance for Bethlem myopathy 1A. Last evaluated: 2021-11-24. Review status: criteria provided, single submitter. Criteria: Invitae Variant Classification Sherloc (09022015). Collection method: clinical testing. Allele origin: germline.
Comment: This variant is not present in population databases (gnomAD no frequency). This variant, c.6434_6469dup, results in the insertion of 12 amino acid(s) of the COL6A3 protein (p.Asp2156_Pro2157ins12), but otherwise preserves the integrity of the reading frame. This variant has been observed in individual(s) with clinical features of COL6A3-related conditions (Invitae). In summary, the available evidence is currently insufficient to determine the role of this variant in disease. Therefore, it has been classified as a Variant of Uncertain Significance. Experimental studies and prediction algorithms are not available or were not evaluated, and the functional significance of this variant is currently unknown.

NM_004369.4(COL6A3):c.6434_6469dup (p.Asp2156_Pro2157insGlnGlyGluArgGlyAspValGlyIleArgGlyAsp)

Gene: COL6A3 (collagen type VI alpha 3 chain; minus strand). Cytogenetic location: 2q37.3.
Variant type: Duplication.
Coding change: c.6434_6469dup on transcript NM_004369.4 (MANE Select); coding-DNA positions 6434 to 6469, 36 bases duplicated.
Protein change: p.Asp2156_Pro2157insGlnGlyGluArgGlyAspValGlyIleArgGlyAsp.
Molecular consequence: inframe insertion.
Genome position (GRCh38, 1-based): chr2:237,358,523-237,358,558, 36 bases duplicated. GRCh37 (hg19): chr2:238,267,166-238,267,201.
Other names: c.4613_4648dup, p.Asp1549_Pro1550insGlnGlyGluArgGlyAspValGlyIleArgGlyAsp (NM_057166.5); c.5816_5851dup, p.Asp1950_Pro1951insGlnGlyGluArgGlyAspValGlyIleArgGlyAsp (NM_057167.4).
Identifiers: ClinVar variation 1523403 (VCV001523403.6), dbSNP rs2106340479, ClinGen allele CA2573135582.